The following is an entry in ClinVar:

ClinVar aggregate classification (germline): Pathogenic (1 of 4 stars; one submission).

Submission:

GeneDx
Classification: Pathogenic. Last evaluated: 2013-04-08. Review status: criteria provided, single submitter. Criteria: GeneDx Variant Classification (06012015). Collection method: clinical testing. Allele origin: germline. Affected: yes.
Comment: Although the c.3190+3delG mutation has not been reported as a disease-causing mutation or as a benign polymorphism to our knowledge, this mutation destroys the canonical splice donor site in intron 29 and is predicted to cause abnormal gene splicing. The mutation is predicted to lead to either an abnormal message that is subject to nonsense-mediated mRNA decay, or to an abnormal protein product if the message is used for protein translation. Other splice site mutations and frameshift mutations in the MYBPC3 gene have been reported in association with HCM. In summary, c.3190+3delG in the MYBPC3 gene is interpreted as a disease-causing mutation.

NM_000256.3(MYBPC3):c.3190+3del

Gene: MYBPC3 (myosin binding protein C3; minus strand). Cytogenetic location: 11p11.2.
Variant type: Deletion.
Coding change: c.3190+3del on transcript NM_000256.3 (MANE Select); 3 bases into the intron after coding-DNA position 3190, one base deleted (G; older notation c.3190+3delG).
Molecular consequence: intron variant.
Genome position (GRCh38, 1-based): chr11:47,333,554, C deleted on the plus strand (G on the coding strand, the reverse complement: MYBPC3 is on the minus strand). VCF-style (leftmost placement, unchanged base first): chr11-47333553-GC-G. GRCh37 (hg19) VCF-style: chr11-47355104-GC-G.
Other names: c.3190+3del (LRG_386t1); c.3190+3delG (NM_000256.3).
Identifiers: ClinVar variation 181094 (VCV000181094.2), dbSNP rs730880667, ClinGen allele CA013625.